The following is an entry in ClinVar:

ClinVar aggregate classification (germline): Uncertain significance (1 of 4 stars; one submission).

Conditions:
Epileptic encephalopathy. Identifiers: MedGen C0543888, HP:0200134.

Submission:

Labcorp Genetics (formerly Invitae), Labcorp
Classification: Uncertain significance for Epileptic encephalopathy. Last evaluated: 2025-12-22. Review status: criteria provided, single submitter. Criteria: Invitae Variant Classification Sherloc (09022015). Collection method: clinical testing. Allele origin: germline.
Comment: This sequence change replaces arginine, which is basic and polar, with proline, which is neutral and non-polar, at codon 2177 of the FASN protein (p.Arg2177Pro). This variant is not present in population databases (gnomAD no frequency). This variant has not been reported in the literature in individuals affected with FASN-related conditions. An algorithm developed to predict the effect of missense changes on protein structure and function (PolyPhen-2) suggests that this variant is likely to be disruptive. In summary, the available evidence is currently insufficient to determine the role of this variant in disease. Therefore, it has been classified as a Variant of Uncertain Significance.

NM_004104.5(FASN):c.6530G>C (p.Arg2177Pro)

Gene: FASN (fatty acid synthase; minus strand). Cytogenetic location: 17q25.3.
Variant type: single nucleotide variant.
Coding change: c.6530G>C on transcript NM_004104.5 (MANE Select); coding-DNA position 6530, G replaced by C.
Protein change: p.Arg2177Pro; replaces arginine 2177 with proline.
Molecular consequence: missense variant.
Genome position (GRCh38, 1-based): chr17:82,081,229, C>G on the plus strand (G>C on the coding strand, the complement: FASN is on the minus strand). VCF-style: chr17-82081229-C-G. GRCh37 (hg19) VCF-style: chr17-80039105-C-G.
Other names: short protein forms R2177P.
Identifiers: ClinVar variation 4762289 (VCV004762289.1).
Genomic context (GRCh38, chr17:82,081,229, plus strand): 5'-GCCTCATCCGCCTTTGAGGACAGCTCCTGCAGTTTCCGGAGCGTGAGTTGCCGCACCTCG[C>G]GCACGGACAGCACCAGGTTGAGCTCACGCTCCAGCGTCTGGCGCACCTCCACGCTCATGA-3'
Protein context (NP_004095.4, residues 2167-2187): ERELNLVLSV[Arg2177Pro]EVRQLTLRKL